The following is an entry in ClinVar:

NM_024665.7(TBL1XR1):c.1486G>A (p.Asp496Asn)

Gene: TBL1XR1 (TBL1X/Y related 1; minus strand). Cytogenetic location: 3q26.32.
Variant type: single nucleotide variant.
Coding change: c.1486G>A on transcript NM_024665.7 (MANE Select); coding-DNA position 1486, G replaced by A.
Protein change: p.Asp496Asn; replaces aspartic acid 496 with asparagine.
Molecular consequence: missense variant.
Genome position (GRCh38, 1-based): chr3:177,026,405, C>T on the plus strand (G>A on the coding strand, the complement: TBL1XR1 is on the minus strand). VCF-style: chr3-177026405-C-T. GRCh37 (hg19) VCF-style: chr3-176744193-C-T.
Other names: c.1486G>A, p.Asp496Asn (NM_001321193.3, NM_001321194.3, NM_001374327.1 and 2 more transcripts); c.1225G>A, p.Asp409Asn (NM_001321195.3, NM_001374330.1); short protein forms D496N, D409N.
Identifiers: ClinVar variation 1028838 (VCV001028838.2), dbSNP rs1713133035, ClinGen allele CA355554007.

ClinVar aggregate classification (germline): Uncertain significance. Review status: criteria provided, multiple submitters, no conflicts (2 of 4 stars). 2 submissions from 2 submitters: Uncertain significance (2). Last evaluated 2022-02-01.

Conditions:
TBL1XR1-related disorder. Also called: TBL1XR1-related condition; TBL1XR1-related disorders. Identifiers: MedGen CN382633, MONDO:1060313.
Intellectual developmental disorder, autosomal dominant 41. Also called: Intellectual disability, autosomal dominant 41. Identifiers: Orphanet 2823, MedGen C4310784, MONDO:0014842, OMIM 616944.

Submissions (2):

Daryl Scott Lab, Baylor College of Medicine
Classification: Uncertain significance for TBL1XR1-related disorder. Last evaluated: 2022-02-01. Review status: criteria provided, single submitter. Criteria: ACMG Guidelines, 2015. Collection method: clinical testing. Allele origin: unknown. Observed: 1 variant allele.

Baylor Genetics
Classification: Uncertain significance for Intellectual developmental disorder, autosomal dominant 41. Last evaluated: 2020-02-13. Review status: criteria provided, single submitter. Criteria: ACMG Guidelines, 2015. Collection method: clinical testing. Allele origin: unknown. Affected: yes.
Comment: This variant was determined to be of uncertain significance according to ACMG Guidelines, 2015 [PMID:25741868].

Literature cited by the submitters: PubMed 36474027 (cited by Daryl Scott Lab, Baylor College of Medicine).